The following is an entry in ClinVar:

NM_021728.4(OTX2):c.444dup (p.Thr149fs)

Gene: OTX2 (orthodenticle homeobox 2; minus strand). Cytogenetic location: 14q22.3.
Variant type: Duplication.
Coding change: c.444dup on transcript NM_021728.4 (MANE Select); coding-DNA position 444, one base duplicated (G; older notation c.444dupG).
Protein change: p.Thr149fs; shifts the reading frame from threonine 149.
Molecular consequence: frameshift variant. On other transcripts: non-coding transcript variant (2).
Genome position (GRCh38, 1-based): chr14:56,802,185, C duplicated on the plus strand (G on the coding strand, the reverse complement: OTX2 is on the minus strand). VCF-style (leftmost placement, unchanged base first): chr14-56802184-T-TC. GRCh37 (hg19) VCF-style: chr14-57268902-T-TC.
Other names: c.420dup, p.Thr141fs (NM_001270523.2, NM_001270524.2, NM_172337.3); c.444dup, p.Thr149fs (NM_001270525.2); short protein forms T141fs, T149fs.
Identifiers: ClinVar variation 1430222 (VCV001430222.8), dbSNP rs2139528859, ClinGen allele CA2573149978.
Genomic context (GRCh38, chr14:56,802,184, plus strand): 5'-ACAGTGGGGAGATGGAAGCTGGGCTCCAGATAGACACAGGAGCACTGCTGCTGGCAATGG[T>TC]CGGGACTGAGGTGCTAGAGGGGGGAGTGAATTGGCCACTTGTTCCACTCTCTGAACTCAC-3'

ClinVar aggregate classification (germline): Pathogenic (1 of 4 stars; one submission).

Conditions:
Anophthalmia-microphthalmia syndrome. Also called: Anophthalmia - microphthalmia; Anophthalmia/Microphthalmia. Identifiers: Orphanet 98555, MedGen C5680330, MONDO:0020147.

Submission:

Labcorp Genetics (formerly Invitae), Labcorp
Classification: Pathogenic for Anophthalmia-microphthalmia syndrome. Last evaluated: 2022-06-20. Review status: criteria provided, single submitter. Criteria: Invitae Variant Classification Sherloc (09022015). Collection method: clinical testing. Allele origin: germline.
Comment: This sequence change creates a premature translational stop signal (p.Thr141Aspfs*46) in the OTX2 gene. While this is not anticipated to result in nonsense mediated decay, it is expected to disrupt the last 149 amino acid(s) of the OTX2 protein. This variant is not present in population databases (gnomAD no frequency). This variant has not been reported in the literature in individuals affected with OTX2-related conditions. This variant disrupts a region of the OTX2 protein in which other variant(s) (p.Ser203*) have been determined to be pathogenic (Invitae). This suggests that this is a clinically significant region of the protein, and that variants that disrupt it are likely to be disease-causing. For these reasons, this variant has been classified as Pathogenic.